The following is an entry in ClinVar:

NM_001035.3(RYR2):c.1838T>C (p.Val613Ala)

Gene: RYR2 (ryanodine receptor 2; plus strand). Cytogenetic location: 1q43.
Variant type: single nucleotide variant.
Coding change: c.1838T>C on transcript NM_001035.3 (MANE Select); coding-DNA position 1838, T replaced by C.
Protein change: p.Val613Ala; replaces valine 613 with alanine.
Molecular consequence: missense variant.
Genome position (GRCh38, 1-based): chr1:237,492,964, T>C. VCF-style: chr1-237492964-T-C. GRCh37 (hg19) VCF-style: chr1-237656264-T-C.
Other names: c.1838T>C, p.Val613Ala (LRG_402t1); short protein forms V613A.
Identifiers: ClinVar variation 404197 (VCV000404197.15), dbSNP rs1057512489, ClinGen allele CA16609994.

ClinVar aggregate classification (germline): Uncertain significance. Review status: criteria provided, multiple submitters, no conflicts (2 of 4 stars). 5 submissions from 5 submitters: Uncertain significance (5). Last evaluated 2024-10-07.

Conditions:
Cardiovascular phenotype. Identifiers: MedGen CN230736.
Arrhythmogenic right ventricular dysplasia 2. Identifiers: MedGen C1832931.
Ventricular arrhythmias due to cardiac ryanodine receptor calcium release deficiency syndrome. Also called: Autosomal dominant cardiac arrhythmia (Kuhn). Identifiers: MedGen C5542154, MONDO:0020745, OMIM 115000.
Catecholaminergic polymorphic ventricular tachycardia 1. Also called: VENTRICULAR TACHYCARDIA, CATECHOLAMINERGIC POLYMORPHIC, 1, WITH OR WITHOUT ATRIAL DYSFUNCTION AND/OR DILATED CARDIOMYOPATHY; RYR2-Related Catecholaminergic Polymorphic Ventricular Tachycardia; VENTRICULAR TACHYCARDIA, STRESS-INDUCED POLYMORPHIC 1. Identifiers: Orphanet 3286, MedGen C1631597, MONDO:0011484, OMIM 604772.
Catecholaminergic polymorphic ventricular tachycardia (CVPT). Also called: Catecholamine-induced polymorphic ventricular tachycardia. Identifiers: Orphanet 3286, MedGen C5574922, MONDO:0017990.
Cardiomyopathy (CMYO). Also called: Cardiomyopathies. Identifiers: Orphanet 167848, MedGen C0878544, MONDO:0004994, HP:0001638. Inheritance: Various modes of inheritance.

Allele frequency attached by ClinVar (database versions not stated): gnomAD exomes below 0.00001; gnomAD 0.00003 and 0.00004; TOPMed 0.00003.
gnomAD v4.1: 11 of 1,590,832 alleles (0.00069%); highest among the groups gnomAD compares: South Asian, 0.0023%; no homozygotes.

Submissions (5):

Labcorp Genetics (formerly Invitae), Labcorp
Classification: Uncertain significance for Catecholaminergic polymorphic ventricular tachycardia 1. Last evaluated: 2024-10-07. Review status: criteria provided, single submitter. Criteria: Invitae Variant Classification Sherloc (09022015). Collection method: clinical testing. Allele origin: germline.
Comment: This sequence change replaces valine, which is neutral and non-polar, with alanine, which is neutral and non-polar, at codon 613 of the RYR2 protein (p.Val613Ala). This variant is not present in population databases (gnomAD no frequency). This variant has not been reported in the literature in individuals affected with RYR2-related conditions. ClinVar contains an entry for this variant (Variation ID: 404197). Invitae Evidence Modeling of protein sequence and biophysical properties (such as structural, functional, and spatial information, amino acid conservation, physicochemical variation, residue mobility, and thermodynamic stability) has been performed for this missense variant. However, the output from this modeling did not meet the statistical confidence thresholds required to predict the impact of this variant on RYR2 protein function. In summary, the available evidence is currently insufficient to determine the role of this variant in disease. Therefore, it has been classified as a Variant of Uncertain Significance.

Color Diagnostics, LLC DBA Color Health
Classification: Uncertain significance for Cardiomyopathy. Last evaluated: 2024-09-23. Review status: criteria provided, single submitter. Criteria: ACMG Guidelines, 2015. Collection method: clinical testing. Allele origin: germline.
Comment: This missense variant replaces valine with alanine at codon 613 of the RYR2 protein. Computational prediction is inconclusive regarding the impact of this variant on protein structure and function. To our knowledge, functional studies have not been reported for this variant. This variant has not been reported in individuals affected with RYR2-related disorders in the literature. This variant has not been identified in the general population by the Genome Aggregation Database (gnomAD). The available evidence is insufficient to determine the role of this variant in disease conclusively. Therefore, this variant is classified as a Variant of Uncertain Significance.

Ambry Genetics
Classification: Uncertain significance for Cardiovascular phenotype. Last evaluated: 2024-01-24. Review status: criteria provided, single submitter. Criteria: Ambry Variant Classification Scheme 2023. Collection method: clinical testing. Allele origin: germline.
Comment: The p.V613A variant (also known as c.1838T>C), located in coding exon 19 of the RYR2 gene, results from a T to C substitution at nucleotide position 1838. The valine at codon 613 is replaced by alanine, an amino acid with similar properties. This amino acid position is highly conserved in available vertebrate species. In addition, the in silico prediction for this alteration is inconclusive. Since supporting evidence is limited at this time, the clinical significance of this alteration remains unclear.

All of Us Research Program, National Institutes of Health
Classification: Uncertain significance for Catecholaminergic polymorphic ventricular tachycardia. Last evaluated: 2023-12-01. Review status: criteria provided, single submitter. Criteria: ACMG Guidelines, 2015. Collection method: clinical testing. Allele origin: germline. Inheritance: Autosomal dominant inheritance. Observed: 3 variant alleles, 3 heterozygotes.
Comment: This study involves interpretation of variants in research participants for the purpose of population health screening. Participant phenotype was not available at the time of variant classification. Additional details can be found in publication PMID: 35346344, PMCID: PMC8962531

Fulgent Genetics
Classification: Uncertain significance for Ventricular arrhythmias due to cardiac ryanodine receptor calcium release deficiency syndrome; Catecholaminergic polymorphic ventricular tachycardia 1. Last evaluated: 2021-11-17. Review status: criteria provided, single submitter. Criteria: ACMG Guidelines, 2015. Collection method: clinical testing. Allele origin: unknown.